The following is an entry in ClinVar:

ClinVar aggregate classification (germline): Uncertain significance (1 of 4 stars; one submission).

Conditions:
Idiopathic generalized epilepsy. Also called: Generalised epilepsy; EIG. Identifiers: MedGen C0270850, MONDO:0005579, OMIM 600669.
Hyperaldosteronism, familial, type IV (HALD4). Also called: FH IV; ALDOSTERONISM, PRIMARY, AND HYPERTENSION. Identifiers: Orphanet 642671, MedGen C4310756, MONDO:0014875, OMIM 617027.

Submission:

Labcorp Genetics (formerly Invitae), Labcorp
Classification: Uncertain significance for Idiopathic generalized epilepsy; Hyperaldosteronism, familial, type IV. Last evaluated: 2024-08-08. Review status: criteria provided, single submitter. Criteria: Invitae Variant Classification Sherloc (09022015). Collection method: clinical testing. Allele origin: germline.
Comment: This sequence change replaces lysine, which is basic and polar, with glutamic acid, which is acidic and polar, at codon 1678 of the CACNA1H protein (p.Lys1678Glu). This variant is not present in population databases (gnomAD no frequency). This variant has not been reported in the literature in individuals affected with CACNA1H-related conditions. Advanced modeling of protein sequence and biophysical properties (such as structural, functional, and spatial information, amino acid conservation, physicochemical variation, residue mobility, and thermodynamic stability) performed at Invitae indicates that this missense variant is expected to disrupt CACNA1H protein function with a positive predictive value of 80%. In summary, the available evidence is currently insufficient to determine the role of this variant in disease. Therefore, it has been classified as a Variant of Uncertain Significance.

NM_021098.3(CACNA1H):c.5032A>G (p.Lys1678Glu)

Gene: CACNA1H (calcium voltage-gated channel subunit alpha1 H; plus strand). Cytogenetic location: 16p13.3.
Variant type: single nucleotide variant.
Coding change: c.5032A>G on transcript NM_021098.3 (MANE Select); coding-DNA position 5032, A replaced by G.
Protein change: p.Lys1678Glu; replaces lysine 1678 with glutamic acid.
Molecular consequence: missense variant.
Genome position (GRCh38, 1-based): chr16:1,215,074, A>G. VCF-style: chr16-1215074-A-G. GRCh37 (hg19) VCF-style: chr16-1265074-A-G.
Other names: c.5014A>G, p.Lys1672Glu (NM_001005407.2); short protein forms K1672E, K1678E.
Identifiers: ClinVar variation 3753029 (VCV003753029.2).